The following is an entry in ClinVar:

NM_001127222.2(CACNA1A):c.6290C>G (p.Pro2097Arg)

Gene: CACNA1A (calcium voltage-gated channel subunit alpha1 A; minus strand). Cytogenetic location: 19p13.13.
Variant type: single nucleotide variant.
Coding change: c.6290C>G on transcript NM_001127222.2 (MANE Select); coding-DNA position 6290, C replaced by G.
Protein change: p.Pro2097Arg; replaces proline 2097 with arginine.
Molecular consequence: missense variant.
Genome position (GRCh38, 1-based): chr19:13,212,116, G>C on the plus strand (C>G on the coding strand, the complement: CACNA1A is on the minus strand). VCF-style: chr19-13212116-G-C. GRCh37 (hg19) VCF-style: chr19-13322930-G-C.
Other names: c.6308C>G, p.Pro2103Arg (NM_000068.4, NM_023035.3); c.6293C>G, p.Pro2098Arg (NM_001127221.2); c.6299C>G, p.Pro2100Arg (NM_001174080.2); short protein forms P2097R, P2098R, P2100R, P2103R.
Identifiers: ClinVar variation 4293537 (VCV004293537.1).
Genomic context (GRCh38, chr19:13,212,116, plus strand): 5'-GTGCAGAGTGAGGGGTCCAGCCCCAGGGCAGTGGTGAAAGCCCTCACCTGGTTCTCTGCA[G>C]GGAGGCGGGGCATGGAGGCAGCCCGGCCCTGGCCTTCCATGGGGAGGTAGTGCTCGCTGT-3'
Protein context (NP_001120694.1, residues 2087-2107): QGRAASMPRL[Pro2097Arg]AENQRRRGRP

ClinVar aggregate classification (germline): Uncertain significance (1 of 4 stars; one submission).

Conditions:
Developmental and epileptic encephalopathy, 42 (DEE42A). Also called: Epileptic encephalopathy, early infantile, 42; DEVELOPMENTAL AND EPILEPTIC ENCEPHALOPATHY 42A; EPILEPTIC ENCEPHALOPATHY, EARLY INFANTILE, 42A. Identifiers: MedGen C4310716, MONDO:0014917, OMIM 617106.

Submission:

3billion
Classification: Uncertain significance for Developmental and epileptic encephalopathy, 42. Last evaluated: 2024-10-30. Review status: criteria provided, single submitter. Criteria: ACMG Guidelines, 2015. Collection method: clinical testing. Allele origin: germline. Affected: yes.
Comment: The variant is not observed in the gnomAD v4.1.0 dataset. Predicted Consequence/Location: Missense variant Therefore, this variant is classified as VUS according to the recommendation of ACMG/AMP guideline.